The following is an entry in ClinVar:

NM_203446.3(SYNJ1):c.1055A>C (p.Lys352Thr)

Gene: SYNJ1 (synaptojanin 1; minus strand). Cytogenetic location: 21q22.11.
Variant type: single nucleotide variant.
Coding change: c.1055A>C on transcript NM_203446.3 (MANE Select); coding-DNA position 1055, A replaced by C.
Protein change: p.Lys352Thr; replaces lysine 352 with threonine.
Molecular consequence: missense variant.
Genome position (GRCh38, 1-based): chr21:32,685,811, T>G on the plus strand (A>C on the coding strand, the complement: SYNJ1 is on the minus strand). VCF-style: chr21-32685811-T-G. GRCh37 (hg19) VCF-style: chr21-34058121-T-G.
Other names: c.1055A>C, p.Lys352Thr (NM_001160302.2, NM_001160306.2); c.1172A>C, p.Lys391Thr (NM_003895.4); short protein forms K352T, K391T.
Identifiers: ClinVar variation 1519313 (VCV001519313.10), dbSNP rs1339451929, ClinGen allele CA410092515.

ClinVar aggregate classification (germline): Uncertain significance. Review status: criteria provided, multiple submitters, no conflicts (2 of 4 stars). 2 submissions from 2 submitters: Uncertain significance (2). Last evaluated 2021-03-24.

Conditions:
Early-onset Parkinson disease 20. Also called: PARKINSON DISEASE 20, AUTOSOMAL RECESSIVE EARLY-ONSET. Identifiers: Orphanet 391411, MedGen C3809824, MONDO:0014233, OMIM 615530.
Developmental and epileptic encephalopathy, 53. Also called: Epileptic encephalopathy, early infantile, 53. Identifiers: MedGen C4479313, MONDO:0033362, OMIM 617389.

Submissions (2):

Labcorp Genetics (formerly Invitae), Labcorp
Classification: Uncertain significance for Developmental and epileptic encephalopathy, 53; Early-onset Parkinson disease 20. Last evaluated: 2021-03-24. Review status: criteria provided, single submitter. Criteria: Invitae Variant Classification Sherloc (09022015). Collection method: clinical testing. Allele origin: germline.
Comment: In summary, the available evidence is currently insufficient to determine the role of this variant in disease. Therefore, it has been classified as a Variant of Uncertain Significance. Algorithms developed to predict the effect of missense changes on protein structure and function (SIFT, PolyPhen-2, Align-GVGD) all suggest that this variant is likely to be disruptive, but these predictions have not been confirmed by published functional studies and their clinical significance is uncertain. This variant has not been reported in the literature in individuals with SYNJ1-related conditions. This variant is not present in population databases (ExAC no frequency). This sequence change replaces lysine with threonine at codon 391 of the SYNJ1 protein (p.Lys391Thr). The lysine residue is highly conserved and there is a moderate physicochemical difference between lysine and threonine.

Juno Genomics, Hangzhou Juno Genomics, Inc
Classification: Uncertain significance for Developmental and epileptic encephalopathy, 53; Early-onset Parkinson disease 20. Review status: criteria provided, single submitter. Criteria: ACMG Guidelines, 2015. Collection method: clinical testing. Allele origin: germline.
Comment: Absent from controls (or at extremely low frequency if recessive) in Genome Aggregation Database.;Multiple lines of computational evidence support a deleterious effect on the gene or gene product.